The following is an entry in ClinVar:

ClinVar aggregate classification (germline): Uncertain significance (1 of 4 stars; one submission).

Conditions:
Hereditary cancer-predisposing syndrome. Also called: Neoplastic Syndromes, Hereditary; Tumor predisposition; Hereditary Cancer Syndrome; Hereditary neoplastic syndrome. Identifiers: Orphanet 140162, MedGen C0027672, MeSH D009386, MONDO:0015356.

Submission:

Ambry Genetics
Classification: Uncertain significance for Hereditary cancer-predisposing syndrome. Last evaluated: 2026-01-02. Review status: criteria provided, single submitter. Criteria: Ambry Variant Classification Scheme 2023. Collection method: clinical testing. Allele origin: germline.
Comment: The p.E243K variant (also known as c.727G>A), located in coding exon 6 of the APC gene, results from a G to A substitution at nucleotide position 727. The glutamic acid at codon 243 is replaced by lysine, an amino acid with similar properties. This amino acid position is highly conserved in available vertebrate species. In addition, in silico predictors for this gene do not accurately predict pathogenicity. Based on the available evidence, the clinical significance of this variant remains unclear.

NM_000038.6(APC):c.727G>A (p.Glu243Lys)

Gene: APC (APC regulator of Wnt signaling pathway; plus strand). Cytogenetic location: 5q22.2.
Variant type: single nucleotide variant.
Coding change: c.727G>A on transcript NM_000038.6 (MANE Select); coding-DNA position 727, G replaced by A.
Protein change: p.Glu243Lys; replaces glutamic acid 243 with lysine.
Molecular consequence: missense variant. On other transcripts: 5 prime UTR variant (4), non-coding transcript variant (2), intron variant (5).
Genome position (GRCh38, 1-based): chr5:112,792,527, G>A. VCF-style: chr5-112792527-G-A. GRCh37 (hg19) VCF-style: chr5-112128224-G-A.
Other names: c.727G>A, p.Glu243Lys (NM_001407459.1, NM_001407460.1, NM_001127510.3 and 12 more transcripts); c.-309G>A (NM_001407470.1, NM_001407471.1, NM_001407472.1 and 1 more transcripts); c.646-8752G>A (NM_001407452.1, NM_001407469.1, NM_001354899.2 and 1 more transcripts); c.676-8752G>A (NM_001127511.3); c.757G>A, p.Glu253Lys (NM_001354897.2, NM_001354902.2, NM_001407446.1); c.652G>A, p.Glu218Lys (NM_001354898.2, NM_001354904.2, NM_001407451.1); c.550G>A, p.Glu184Lys (NM_001354900.2, NM_001354901.2, NM_001354905.2 and 1 more transcripts); short protein forms E243K, E253K, E218K, E184K.
Identifiers: ClinVar variation 4843532 (VCV004843532.1).